The following is an entry in ClinVar:

ClinVar aggregate classification (germline): Uncertain significance (1 of 4 stars; one submission).

Submission:

Clinical Genomics Laboratory, Laboratory for Precision Diagnostics, University of Washington
Classification: Uncertain significance. Last evaluated: 2019-05-25. Review status: criteria provided, single submitter. Criteria: Clinical Cytogenomics Laboratory Policy on CNV Interpretation. Collection method: clinical testing. Allele origin: unknown. Affected: yes. Observed: 1 variant allele.

GRCh37/hg19 4q21.22-21.23(chr4:84053945-85081980)x3

Genes: MRPS18C (mitochondrial ribosomal protein S18C; plus strand), ABRAXAS1 (abraxas 1, BRCA1 A complex subunit; minus strand), COQ2 (coenzyme Q2, polyprenyltransferase; minus strand), GPAT3 (glycerol-3-phosphate acyltransferase 3; plus strand), HELQ (helicase, POLQ like; minus strand) and 1 more. Cytogenetic location: 4q21.22-21.23.
Variant type: copy number gain.
Change: copy number 3 (three copies instead of two) of chr4:84,053,945-85,081,980 (1.03 Mb, GRCh37 coordinates, 1-based), cytogenetic band 4q21.22-21.23.
Identifiers: ClinVar variation 929364 (VCV000929364.2).